The following is an entry in ClinVar:

ClinVar aggregate classification (germline): Uncertain significance. Review status: criteria provided, multiple submitters, no conflicts (2 of 4 stars). 2 submissions from 2 submitters: Uncertain significance (2). Last evaluated 2025-03-28.

Allele frequency attached by ClinVar (database versions not stated): gnomAD exomes 0.00001 and 0.00002; gnomAD 0.00002; TOPMed 0.00002; ExAC 0.00004; ESP Exome Variant Server 0.00009.
gnomAD v4.1: 14 of 1,556,266 alleles (0.0009%); highest among the groups gnomAD compares: African/African-American, 0.0041%; no homozygotes.

Submissions (2):

Revvity Omics, Revvity
Classification: Uncertain significance. Last evaluated: 2025-03-28. Review status: criteria provided, single submitter. Criteria: ACMG Guidelines, 2015. Collection method: clinical testing. Allele origin: germline.

Labcorp Genetics (formerly Invitae), Labcorp
Classification: Uncertain significance. Last evaluated: 2024-10-15. Review status: criteria provided, single submitter. Criteria: Invitae Variant Classification Sherloc (09022015). Collection method: clinical testing. Allele origin: germline.
Comment: This sequence change replaces alanine, which is neutral and non-polar, with valine, which is neutral and non-polar, at codon 812 of the PROM1 protein (p.Ala812Val). The frequency data for this variant in the population databases is considered unreliable, as metrics indicate poor data quality at this position in the gnomAD database. This variant has not been reported in the literature in individuals affected with PROM1-related conditions. ClinVar contains an entry for this variant (Variation ID: 1019160). Invitae Evidence Modeling of protein sequence and biophysical properties (such as structural, functional, and spatial information, amino acid conservation, physicochemical variation, residue mobility, and thermodynamic stability) indicates that this missense variant is expected to disrupt PROM1 protein function with a positive predictive value of 80%. In summary, the available evidence is currently insufficient to determine the role of this variant in disease. Therefore, it has been classified as a Variant of Uncertain Significance.

NM_006017.3(PROM1):c.2435C>T (p.Ala812Val)

Gene: PROM1 (prominin 1; minus strand). Cytogenetic location: 4p15.32.
Variant type: single nucleotide variant.
Coding change: c.2435C>T on transcript NM_006017.3 (MANE Select); coding-DNA position 2435, C replaced by T.
Protein change: p.Ala812Val; replaces alanine 812 with valine.
Molecular consequence: missense variant.
Genome position (GRCh38, 1-based): chr4:15,980,476, G>A on the plus strand (C>T on the coding strand, the complement: PROM1 is on the minus strand). VCF-style: chr4-15980476-G-A. GRCh37 (hg19) VCF-style: chr4-15982099-G-A.
Other names: c.2408C>T, p.Ala803Val (NM_001145847.2, NM_001145848.2, NM_001145851.2 and 4 more transcripts); c.2435C>T, p.Ala812Val (NM_001145849.2, NM_001145850.2); short protein forms A803V, A812V.
Identifiers: ClinVar variation 1019160 (VCV001019160.11), dbSNP rs371444761, ClinGen allele CA2866395.
Genomic context (GRCh38, chr4:15,980,476, plus strand): 5'-ACTTACTCATCGTACACGTCCTCCGAATCCATTCGACGATAGTACTTAGCCAGTTTTACC[G>A]CAAAAATTAGAGCCGGAAGTAAAAATACAGTAGCTTTTCCTATGCCAAACCAAAACAAAT-3'
Protein context (NP_006008.1, residues 802-822): TVFLLPALIF[Ala812Val]VKLAKYYRRM